The following is an entry in ClinVar:

ClinVar aggregate classification (germline): Uncertain significance. Review status: criteria provided, multiple submitters, no conflicts (2 of 4 stars). 4 submissions from 4 submitters: Uncertain significance (4). Last evaluated 2024-07-10.

Conditions:
Inborn genetic diseases. Identifiers: MedGen C0950123, MeSH D030342.
Acrocallosal syndrome (ACLS). Also called: Schinzel syndrome 1; Absence of corpus callosum with unusual facial appearance, mental deficiency, duplication of the halluces and polydactyly; HALLUX DUPLICATION, POSTAXIAL POLYDACTYLY, AND ABSENCE OF CORPUS CALLOSUM. Identifiers: Orphanet 36, MedGen C0796147, MONDO:0008708, OMIM 200990.

Allele frequency attached by ClinVar (database versions not stated): ExAC 0.00002; gnomAD exomes 0.00003; TOPMed 0.00006; gnomAD 0.00007; ESP Exome Variant Server 0.00008.
gnomAD v4.1: 50 of 1,610,946 alleles (0.0031%); highest among the groups gnomAD compares: African/African-American, 0.017%; no homozygotes.

Submissions (4):

Blueprint Genetics
Classification: Uncertain significance. Last evaluated: 2024-07-10. Review status: criteria provided, single submitter. Criteria: ACMG Guidelines, 2015. Collection method: clinical testing. Allele origin: germline.

Women's Health and Genetics/Laboratory Corporation of America, LabCorp
Classification: Uncertain significance. Last evaluated: 2024-02-29. Review status: criteria provided, single submitter. Criteria: LabCorp Variant Classification Summary - May 2015. Collection method: clinical testing. Allele origin: germline.
Comment: Variant summary: KIF7 c.3976C>T (p.Arg1326Trp) results in a non-conservative amino acid change in the encoded protein sequence. Three of five in-silico tools predict a benign effect of the variant on protein function. The variant allele was found at a frequency of 3.2e-05 in 246902 control chromosomes. The available data on variant occurrences in the general population are insufficient to allow any conclusion about variant significance. To our knowledge, no occurrence of c.3976C>T in individuals affected with Acrocallosal Syndrome/Joubert Syndrome 12 and no experimental evidence demonstrating its impact on protein function have been reported. ClinVar contains an entry for this variant (Variation ID: 1367738). Based on the evidence outlined above, the variant was classified as uncertain significance.

Labcorp Genetics (formerly Invitae), Labcorp
Classification: Uncertain significance for Acrocallosal syndrome. Last evaluated: 2024-01-15. Review status: criteria provided, single submitter. Criteria: Invitae Variant Classification Sherloc (09022015). Collection method: clinical testing. Allele origin: germline.
Comment: This sequence change replaces arginine, which is basic and polar, with tryptophan, which is neutral and slightly polar, at codon 1326 of the KIF7 protein (p.Arg1326Trp). This variant is present in population databases (rs372979006, gnomAD 0.03%). This variant has not been reported in the literature in individuals affected with KIF7-related conditions. ClinVar contains an entry for this variant (Variation ID: 1367738). Advanced modeling of protein sequence and biophysical properties (such as structural, functional, and spatial information, amino acid conservation, physicochemical variation, residue mobility, and thermodynamic stability) performed at Invitae indicates that this missense variant is not expected to disrupt KIF7 protein function with a negative predictive value of 80%. In summary, the available evidence is currently insufficient to determine the role of this variant in disease. Therefore, it has been classified as a Variant of Uncertain Significance.

Ambry Genetics
Classification: Uncertain significance for Inborn genetic diseases. Last evaluated: 2023-03-21. Review status: criteria provided, single submitter. Criteria: Ambry Variant Classification Scheme 2023. Collection method: clinical testing. Allele origin: germline.

NM_198525.3(KIF7):c.3976C>T (p.Arg1326Trp)

Gene: KIF7 (kinesin family member 7; minus strand). Cytogenetic location: 15q26.1.
Variant type: single nucleotide variant.
Coding change: c.3976C>T on transcript NM_198525.3 (MANE Select); coding-DNA position 3976, C replaced by T.
Protein change: p.Arg1326Trp; replaces arginine 1326 with tryptophan.
Molecular consequence: missense variant.
Genome position (GRCh38, 1-based): chr15:89,628,475, G>A on the plus strand (C>T on the coding strand, the complement: KIF7 is on the minus strand). VCF-style: chr15-89628475-G-A. GRCh37 (hg19) VCF-style: chr15-90171706-G-A.
Other names: c.3976C>T (NM_198525.2); short protein forms R1326W.
Identifiers: ClinVar variation 1367738 (VCV001367738.9), dbSNP rs372979006, ClinGen allele CA7727461.